The following is an entry in ClinVar:

ClinVar aggregate classification (germline): Pathogenic (1 of 4 stars; one submission).

Conditions:
Tuberous sclerosis 1 (TSC1). Identifiers: Orphanet 805, MedGen C1854465, MONDO:0008612, OMIM 191100.

Submission:

Labcorp Genetics (formerly Invitae), Labcorp
Classification: Pathogenic for Tuberous sclerosis 1. Last evaluated: 2024-04-16. Review status: criteria provided, single submitter. Criteria: Invitae Variant Classification Sherloc (09022015). Collection method: clinical testing. Allele origin: germline.
Comment: This sequence change creates a premature translational stop signal (p.Ile482Asnfs*3) in the TSC1 gene. It is expected to result in an absent or disrupted protein product. Loss-of-function variants in TSC1 are known to be pathogenic (PMID: 10227394, 17304050). This variant is not present in population databases (gnomAD no frequency). This variant has not been reported in the literature in individuals affected with TSC1-related conditions. For these reasons, this variant has been classified as Pathogenic.

Literature cited by the submitters: PubMed 10227394; PubMed 17304050.

NM_000368.5(TSC1):c.1442dup (p.Ile482fs)

Gene: TSC1 (TSC complex subunit 1; minus strand). Cytogenetic location: 9q34.13.
Variant type: Duplication.
Coding change: c.1442dup on transcript NM_000368.5 (MANE Select); coding-DNA position 1442, one base duplicated (C; older notation c.1442dupC).
Protein change: p.Ile482fs; shifts the reading frame from isoleucine 482.
Molecular consequence: frameshift variant. On other transcripts: non-coding transcript variant (5).
Genome position (GRCh38, 1-based): chr9:132,906,136, G duplicated on the plus strand (C on the coding strand, the reverse complement: TSC1 is on the minus strand). VCF-style (leftmost placement, unchanged base first): chr9-132906135-T-TG. GRCh37 (hg19) VCF-style: chr9-135781522-T-TG.
Other names: c.1439dup, p.Ile481fs (NM_001162426.2, NM_001406597.1, NM_001406598.1 and 6 more transcripts); c.1289dup, p.Ile431fs (NM_001162427.2, NM_001406610.1); c.1079dup, p.Ile361fs (NM_001362177.2, NM_001406614.1, NM_001406615.1 and 5 more transcripts); c.1442dup, p.Ile482fs (NM_001406592.1, NM_001406593.1, NM_001406594.1 and 7 more transcripts); c.1286dup, p.Ile430fs (NM_001406611.1, NM_001406612.1, NM_001406613.1); c.1076dup, p.Ile360fs (NM_001406620.1, NM_001406621.1, NM_001406622.1 and 2 more transcripts); c.491dup, p.Ile165fs (NM_001406626.1); c.488dup, p.Ile164fs (NM_001406627.1, NM_001406628.1); and 1 more; short protein forms I165fs, I481fs, I482fs, I131fs, I430fs, I431fs, I164fs, I360fs.
Identifiers: ClinVar variation 3650065 (VCV003650065.2).